The following is an entry in ClinVar:

NM_018699.4(PRDM5):c.301-270C>T

Gene: PRDM5 (PR/SET domain 5; minus strand). Cytogenetic location: 4q27.
Variant type: single nucleotide variant.
Coding change: c.301-270C>T on transcript NM_018699.4 (MANE Select); 270 bases into the intron before coding-DNA position 301, C replaced by T.
Molecular consequence: intron variant.
Genome position (GRCh38, 1-based): chr4:120,821,615, G>A on the plus strand (C>T on the coding strand, the complement: PRDM5 is on the minus strand). VCF-style: chr4-120821615-G-A. GRCh37 (hg19) VCF-style: chr4-121742770-G-A.
Other names: c.301-270C>T (NM_001300824.2, NM_001379106.1, NM_001300823.2 and 1 more transcripts).
Identifiers: ClinVar variation 670713 (VCV000670713.1), dbSNP rs168226, ClinGen allele CA105122230.

ClinVar aggregate classification (germline): Benign (1 of 4 stars; one submission).

Allele frequency attached by ClinVar (database versions not stated): gnomAD 0.05230 and 0.05506; TOPMed 0.06282; 1000 Genomes Project 30x 0.09119; 1000 Genomes Project 0.09205.
gnomAD v4.1: 8,437 of 151,964 alleles (5.6%); highest among the groups gnomAD compares: Middle Eastern, 15%; 360 homozygotes.

Submission:

GeneDx
Classification: Benign. Last evaluated: 2018-06-14. Review status: criteria provided, single submitter. Criteria: GeneDx Variant Classification (06012015). Collection method: clinical testing. Allele origin: germline. Affected: yes.
Comment: This variant is considered likely benign or benign based on one or more of the following criteria: it is a conservative change, it occurs at a poorly conserved position in the protein, it is predicted to be benign by multiple in silico algorithms, and/or has population frequency not consistent with disease.